The following is an entry in ClinVar:

NM_001142800.2(EYS):c.1684A>G (p.Met562Val)

Gene: EYS (EGF-like photoreceptor maintenance factor; minus strand). Cytogenetic location: 6q12.
Variant type: single nucleotide variant.
Coding change: c.1684A>G on transcript NM_001142800.2 (MANE Select); coding-DNA position 1684, A replaced by G.
Protein change: p.Met562Val; replaces methionine 562 with valine.
Molecular consequence: missense variant.
Genome position (GRCh38, 1-based): chr6:65,335,062, T>C on the plus strand (A>G on the coding strand, the complement: EYS is on the minus strand). VCF-style: chr6-65335062-T-C. GRCh37 (hg19) VCF-style: chr6-66044955-T-C.
Other names: c.1684A>G, p.Met562Val (NM_001142801.2, NM_001292009.2, NM_198283.2); short protein forms M562V.
Identifiers: ClinVar variation 962831 (VCV000962831.9), dbSNP rs1769934049, ClinGen allele CA364661085.

ClinVar aggregate classification (germline): Uncertain significance (1 of 4 stars; one submission).

Allele frequency attached by ClinVar (database versions not stated): gnomAD exomes below 0.00001.
gnomAD v4.1: 2 of 1,612,062 alleles (0.00012%); highest among the groups gnomAD compares: Non-Finnish European, 0.00017%; no homozygotes.

Submission:

Labcorp Genetics (formerly Invitae), Labcorp
Classification: Uncertain significance. Last evaluated: 2022-07-12. Review status: criteria provided, single submitter. Criteria: Invitae Variant Classification Sherloc (09022015). Collection method: clinical testing. Allele origin: germline.
Comment: In summary, the available evidence is currently insufficient to determine the role of this variant in disease. Therefore, it has been classified as a Variant of Uncertain Significance. Algorithms developed to predict the effect of missense changes on protein structure and function (SIFT, PolyPhen-2, Align-GVGD) all suggest that this variant is likely to be tolerated. ClinVar contains an entry for this variant (Variation ID: 962831). This variant has not been reported in the literature in individuals affected with EYS-related conditions. This variant is not present in population databases (gnomAD no frequency). This sequence change replaces methionine, which is neutral and non-polar, with valine, which is neutral and non-polar, at codon 562 of the EYS protein (p.Met562Val).